The following is an entry in ClinVar:

ClinVar aggregate classification (germline): Uncertain significance. Review status: criteria provided, multiple submitters, no conflicts (2 of 4 stars). 3 submissions from 3 submitters: Uncertain significance (3). Last evaluated 2025-07-16.

Conditions:
Cardiovascular phenotype. Identifiers: MedGen CN230736.

gnomAD v4.1: 13 of 1,606,606 alleles (0.00081%); highest among the groups gnomAD compares: Admixed American, 0.02%; 1 homozygote.

Submissions (3):

Ambry Genetics
Classification: Uncertain significance for Cardiovascular phenotype. Last evaluated: 2025-07-16. Review status: criteria provided, single submitter. Criteria: Ambry Variant Classification Scheme 2023. Collection method: clinical testing. Allele origin: germline.

GeneDx
Classification: Uncertain significance. Last evaluated: 2020-10-12. Review status: criteria provided, single submitter. Criteria: GeneDx Variant Classification Process June 2021. Collection method: clinical testing. Allele origin: germline. Affected: yes.
Comment: Has not been previously published as pathogenic or benign to our knowledge; In silico analysis supports that this missense variant has a deleterious effect on protein structure/function

Breakthrough Genomics
Classification: Uncertain significance. Review status: criteria provided, single submitter. Criteria: ACMG Guidelines, 2015. Collection method: not provided. Allele origin: germline. Inheritance: Autosomal recessive inheritance. Affected: yes.

NM_001365276.2(TNXB):c.3058C>T (p.Pro1020Ser)

Gene: TNXB (tenascin XB; minus strand). Cytogenetic location: 6p21.33.
Variant type: single nucleotide variant.
Coding change: c.3058C>T on transcript NM_001365276.2 (MANE Select); coding-DNA position 3058, C replaced by T.
Protein change: p.Pro1020Ser; replaces proline 1020 with serine.
Molecular consequence: missense variant.
Genome position (GRCh38, 1-based): chr6:32,085,840, G>A on the plus strand (C>T on the coding strand, the complement: TNXB is on the minus strand). VCF-style: chr6-32085840-G-A. GRCh37 (hg19) VCF-style: chr6-32053617-G-A.
Other names: c.3058C>T, p.Pro1020Ser (NM_019105.8); short protein forms P1020S.
Identifiers: ClinVar variation 1313271 (VCV001313271.5), dbSNP rs765589802, ClinGen allele CA3735262.
Genomic context (GRCh38, chr6:32,085,840, plus strand): 5'-AGGGCTTGCCCCCAGGAGGGACCCCATGAAGTGACAGCTCATACGGGGTTCCAGGAGGGG[G>A]TGGAGGCACCAGAGCCTGGCGGACGTCCCCTGGCAGCACTTCCTCATGTGCCCCCGGCCC-3'
Protein context (NP_001352205.1, residues 1010-1030): GDVRQALVPP[Pro1020Ser]PPGTPYELSL